The following is an entry in ClinVar:

NM_004006.3(DMD):c.5923-4C>G

Gene: DMD (dystrophin; minus strand). Cytogenetic location: Xp21.1.
Variant type: single nucleotide variant.
Coding change: c.5923-4C>G on transcript NM_004006.3 (MANE Select); 4 bases into the intron before coding-DNA position 5923, C replaced by G.
Molecular consequence: intron variant.
Genome position (GRCh38, 1-based): chrX:32,310,280, G>C on the plus strand (C>G on the coding strand, the complement: DMD is on the minus strand). VCF-style: chrX-32310280-G-C. GRCh37 (hg19) VCF-style: chrX-32328397-G-C.
Other names: c.5899-4C>G (NM_000109.4); c.1900-4C>G (NM_004011.4); c.1891-4C>G (NM_004012.4); c.5911-4C>G (NM_004009.3); c.5554-4C>G (NM_004010.3).
Identifiers: ClinVar variation 368240 (VCV000368240.15), dbSNP rs780118536, ClinGen allele CA10378564.
Genomic context (GRCh38, chrX:32,310,280, plus strand): 5'-AATTTCCAAAGGCATGTCTTCAGTCATCACCATCATCGTTTCTTCACGGACAGTGTGCTG[G>C]TATAGATATACAAAAGAACAATTTTTTTTAGCTTCCTAACAGTGAAACCTCCTCCATTAA-3'

ClinVar aggregate classification (germline): Uncertain significance. Review status: criteria provided, multiple submitters, no conflicts (2 of 4 stars). 4 submissions from 4 submitters: Uncertain significance (3). 1 of the submissions does not count toward it. Last evaluated 2025-08-15.

Conditions:
Duchenne muscular dystrophy (DMD). Also called: MUSCULAR DYSTROPHY, PSEUDOHYPERTROPHIC PROGRESSIVE, DUCHENNE TYPE; Duchenne Muscular Dystrophy (DMD). Identifiers: Orphanet 98896, MedGen C0013264, MONDO:0010679, OMIM 310200.
Cardiovascular phenotype. Identifiers: MedGen CN230736.
Becker muscular dystrophy (BMD). Also called: MUSCULAR DYSTROPHY, PSEUDOHYPERTROPHIC PROGRESSIVE, BECKER TYPE; Becker Muscular Dystrophy (BMD). Identifiers: Orphanet 98895, MedGen C0917713, MONDO:0010311, OMIM 300376.
Cardiomyopathy (CMYO). Also called: Cardiomyopathies. Identifiers: Orphanet 167848, MedGen C0878544, MONDO:0004994, HP:0001638. Inheritance: Various modes of inheritance.
Dystrophin deficiency.
Dilated cardiomyopathy 3B (CMD3B). Also called: CMD3B: DMD-Related Dilated Cardiomyopathy; CARDIOMYOPATHY, DILATED, X-LINKED; DMD-Associated Dilated Cardiomyopathy. Identifiers: Orphanet 154, MedGen C3668940, MONDO:0010542, OMIM 302045.

Allele frequency attached by ClinVar (database versions not stated): gnomAD exomes below 0.00001 and 0.00001; ExAC 0.00001; gnomAD 0.00002; TOPMed 0.00003.
gnomAD v4.1: 3 of 1,202,489 alleles (0.00025%); highest among the groups gnomAD compares: Admixed American, 0.0066%; no homozygotes.

Submissions (4):

Labcorp Genetics (formerly Invitae), Labcorp
Classification: Uncertain significance for Duchenne muscular dystrophy. Last evaluated: 2025-08-15. Review status: criteria provided, single submitter. Criteria: Invitae Variant Classification Sherloc (09022015). Collection method: clinical testing. Allele origin: germline.
Comment: This sequence change falls in intron 41 of the DMD gene. It does not directly change the encoded amino acid sequence of the DMD protein. This variant is present in population databases (rs780118536, gnomAD 0.004%). This variant has not been reported in the literature in individuals affected with DMD-related conditions. ClinVar contains an entry for this variant (Variation ID: 368240). Algorithms developed to predict the effect of sequence changes on RNA splicing suggest that this variant may disrupt the consensus splice site. In summary, the available evidence is currently insufficient to determine the role of this variant in disease. Therefore, it has been classified as a Variant of Uncertain Significance.

Ambry Genetics
Classification: Uncertain significance for Cardiovascular phenotype. Last evaluated: 2023-05-05. Review status: criteria provided, single submitter. Criteria: Ambry Variant Classification Scheme 2023. Collection method: clinical testing. Allele origin: germline.
Comment: The c.5923-4C>G intronic variant results from a C to G substitution 4 nucleotides upstream from coding exon 42 in the DMD gene. This nucleotide position is highly conserved in available vertebrate species. In silico splice site analysis predicts that this alteration will result in the creation or strengthening of a novel splice acceptor site. Based on data from gnomAD, the G allele has an overall frequency of <0.01% (1/179986) total alleles studied, with 0 hemizygote(s) observed. The highest observed frequency was <0.01% (1/27159) of Latino alleles. Since supporting evidence is limited at this time, the clinical significance of this alteration remains unclear.

Illumina Laboratory Services, Illumina
Classification: Uncertain significance for Dilated cardiomyopathy 3B. Last evaluated: 2018-01-12. Review status: criteria provided, single submitter. Criteria: ICSL Variant Classification Criteria 13 December 2019. Collection method: clinical testing. Allele origin: germline.

Natera, Inc.
Classification: Uncertain significance for Becker muscular dystrophy; Cardiomyopathy; Duchenne muscular dystrophy; Dystrophin deficiency. Last evaluated: 2018-06-29. Review status: no assertion criteria provided. Collection method: clinical testing. Allele origin: germline. Not counted in ClinVar's aggregate classification.